The following is an entry in ClinVar:

ClinVar aggregate classification (germline): Uncertain significance. Review status: criteria provided, multiple submitters, no conflicts (2 of 4 stars). 2 submissions from 2 submitters: Uncertain significance (2). Last evaluated 2023-04-25.

Conditions:
Hereditary cancer-predisposing syndrome. Also called: Neoplastic Syndromes, Hereditary; Tumor predisposition; Hereditary Cancer Syndrome; Hereditary neoplastic syndrome. Identifiers: Orphanet 140162, MedGen C0027672, MeSH D009386, MONDO:0015356.
Ataxia-telangiectasia syndrome (AT). Also called: LOUIS-BAR SYNDROME; Cerebello-oculocutaneous telangiectasia; Immunodeficiency with ataxia telangiectasia; Ataxia telangiectasia (A-T); Ataxia-telangiectasia, complementation group D; AT, COMPLEMENTATION GROUP C. Identifiers: Orphanet 100, MedGen C0004135, MONDO:0008840, OMIM 208900.

Submissions (2):

Ambry Genetics
Classification: Uncertain significance for Hereditary cancer-predisposing syndrome. Last evaluated: 2023-04-25. Review status: criteria provided, single submitter. Criteria: Ambry Variant Classification Scheme 2023. Collection method: clinical testing. Allele origin: germline.
Comment: The p.V3025A variant (also known as c.9074T>C), located in coding exon 62 of the ATM gene, results from a T to C substitution at nucleotide position 9074. The valine at codon 3025 is replaced by alanine, an amino acid with similar properties. This amino acid position is conserved. In addition, the in silico prediction for this alteration is inconclusive. Since supporting evidence is limited at this time, the clinical significance of this alteration remains unclear.

Labcorp Genetics (formerly Invitae), Labcorp
Classification: Uncertain significance for Ataxia-telangiectasia syndrome. Last evaluated: 2021-08-10. Review status: criteria provided, single submitter. Criteria: Invitae Variant Classification Sherloc (09022015). Collection method: clinical testing. Allele origin: germline.
Comment: This variant has not been reported in the literature in individuals affected with ATM-related conditions. In summary, the available evidence is currently insufficient to determine the role of this variant in disease. Therefore, it has been classified as a Variant of Uncertain Significance. Algorithms developed to predict the effect of missense changes on protein structure and function (SIFT, PolyPhen-2, Align-GVGD) all suggest that this variant is likely to be tolerated. This variant is not present in population databases (ExAC no frequency). This sequence change replaces valine with alanine at codon 3025 of the ATM protein (p.Val3025Ala). The valine residue is highly conserved and there is a small physicochemical difference between valine and alanine.

NM_000051.4(ATM):c.9074T>C (p.Val3025Ala)

Genes: C11orf65 (chromosome 11 open reading frame 65; minus strand), ATM (ATM serine/threonine kinase; plus strand). Cytogenetic location: 11q22.3.
Variant type: single nucleotide variant.
Coding change: c.9074T>C on transcript NM_000051.4 (MANE Select); coding-DNA position 9074, T replaced by C.
Protein change: p.Val3025Ala; replaces valine 3025 with alanine.
Molecular consequence: missense variant. On other transcripts: intron variant (2).
Genome position (GRCh38, 1-based): chr11:108,365,411, T>C. VCF-style: chr11-108365411-T-C. GRCh37 (hg19) VCF-style: chr11-108236138-T-C.
Other names: c.9074T>C, p.Val3025Ala (NM_001351834.2); c.640+20509A>G (NM_001330368.2); c.694+20509A>G (NM_001351110.2); short protein forms V3025A.
Identifiers: ClinVar variation 1491615 (VCV001491615.9), dbSNP rs2137916904, ClinGen allele CA382531724.